The following is an entry in ClinVar:

ClinVar aggregate classification (germline): Uncertain significance (1 of 4 stars; one submission).

Submission:

Labcorp Genetics (formerly Invitae), Labcorp
Classification: Uncertain significance. Last evaluated: 2022-09-29. Review status: criteria provided, single submitter. Criteria: Invitae Variant Classification Sherloc (09022015). Collection method: clinical testing. Allele origin: germline.
Comment: In summary, the available evidence is currently insufficient to determine the role of this variant in disease. Therefore, it has been classified as a Variant of Uncertain Significance. Experimental studies and prediction algorithms are not available or were not evaluated, and the functional significance of this variant is currently unknown. This variant has not been reported in the literature in individuals affected with IFT74-related conditions. This variant results in a copy number gain of the genomic region encompassing exon(s) 1-12 of the IFT74 gene. This region includes the initiator codon of the gene. This copy number gain extends beyond the assayed region for this gene and therefore may encompass additional genes. As the precise location of this event is unknown, it may be in tandem or it may be located elsewhere in the genome.

NC_000009.11:g.(?_26905509)_(27018705_?)dup

Genes: IFT74 (intraflagellar transport 74; plus strand), LRRC19 (leucine rich repeat containing 19; minus strand), PLAA (phospholipase A2 activating protein; minus strand). Cytogenetic location: 9p21.2.
Variant type: Duplication.
Identifiers: ClinVar variation 2423693 (VCV002423693.4).